The following is an entry in ClinVar:

NM_001378778.1(MPDZ):c.1335dup (p.Glu446fs)

Gene: MPDZ (multiple PDZ domain crumbs cell polarity complex component; minus strand). Cytogenetic location: 9p23.
Variant type: Duplication.
Coding change: c.1335dup on transcript NM_001378778.1 (MANE Select); coding-DNA position 1335, one base duplicated (A; older notation c.1335dupA).
Protein change: p.Glu446fs; shifts the reading frame from glutamic acid 446.
Molecular consequence: frameshift variant.
Genome position (GRCh38, 1-based): chr9:13,206,055, T duplicated on the plus strand (A on the coding strand, the reverse complement: MPDZ is on the minus strand). VCF-style (leftmost placement, unchanged base first): chr9-13206054-C-CT. GRCh37 (hg19) VCF-style: chr9-13206053-C-CT.
Other names: c.1335dup, p.Glu446fs (NM_001261406.2, NM_001261407.2, NM_001330637.2 and 14 more transcripts); short protein forms E446fs.
Identifiers: ClinVar variation 817164 (VCV000817164.1), dbSNP rs1587783980, ClinGen allele CA915947424.
Genomic context (GRCh38, chr9:13,206,054, plus strand): 5'-GCTTCATTCCTCTCCTCATTAGTGTCAGGAGCACAGTTTGTCCTGTATGTCGCAATACCT[C>CT]TACTGCTTGCTGATTAGTAAAACCCTGAAGGTTTGTGCCATCTACCTGTGATTAAAAAAA-3'

ClinVar aggregate classification (germline): Likely pathogenic (1 of 4 stars; one submission).

Submission:

GeneDx
Classification: Likely pathogenic. Last evaluated: 2018-07-24. Review status: criteria provided, single submitter. Criteria: GeneDx Variant Classification (06012015). Collection method: clinical testing. Allele origin: germline. Affected: yes.
Comment: The c.1335dupA variant in the MPDZ gene has not been reported previously as a pathogenic variant nor as a benign variant, to our knowledge. The c.1335dupA variant causes a frameshift starting with codon Glutamic Acid 446, changes this amino acid to an Arginine residue, and creates a premature Stop codon at position 41 of the new reading frame, denoted p.Glu446ArgfsX41. This variant is predicted to cause loss of normal protein function either through protein truncation or nonsense-mediated mRNA decay. The c.1335dupA variant is not observed in large population cohorts (Lek et al., 2016). We interpret c.1335dupA as a likely pathogenic variant.